The following is an entry in ClinVar:

NM_020778.5(ALPK3):c.847G>A (p.Glu283Lys)

Gene: ALPK3 (alpha kinase 3; plus strand). Cytogenetic location: 15q25.3.
Variant type: single nucleotide variant.
Coding change: c.847G>A on transcript NM_020778.5 (MANE Select); coding-DNA position 847, G replaced by A.
Protein change: p.Glu283Lys; replaces glutamic acid 283 with lysine.
Molecular consequence: missense variant.
Genome position (GRCh38, 1-based): chr15:84,840,126, G>A. VCF-style: chr15-84840126-G-A. GRCh37 (hg19) VCF-style: chr15-85383357-G-A.
Other names: short protein forms E283K.
Identifiers: ClinVar variation 1714076 (VCV001714076.5), dbSNP rs1206172072, ClinGen allele CA393373623.
Genomic context (GRCh38, chr15:84,840,126, plus strand): 5'-TTGGGCCTGATCAACAGTTTTGCTTCTGGAGAAGTGACCACCAACGGGGAGGCTGCCCCC[G>A]AGAATGGAGAGGACGGAGAGCATGGCTTGCTGACATACATCTGTGACGCCATGGAGCTGG-3'
Protein context (NP_065829.4, residues 273-293): EVTTNGEAAP[Glu283Lys]NGEDGEHGLL

ClinVar aggregate classification (germline): Uncertain significance (1 of 4 stars; one submission).

Allele frequency attached by ClinVar (database versions not stated): gnomAD exomes below 0.00001.
gnomAD v4.1: 1 of 1,614,134 alleles (0.000062%); highest among the groups gnomAD compares: Non-Finnish European, 0.000085%; no homozygotes.

Submission:

Labcorp Genetics (formerly Invitae), Labcorp
Classification: Uncertain significance. Last evaluated: 2022-07-29. Review status: criteria provided, single submitter. Criteria: Invitae Variant Classification Sherloc (09022015). Collection method: clinical testing. Allele origin: germline.
Comment: This sequence change replaces glutamic acid, which is acidic and polar, with lysine, which is basic and polar, at codon 485 of the ALPK3 protein (p.Glu485Lys). In summary, the available evidence is currently insufficient to determine the role of this variant in disease. Therefore, it has been classified as a Variant of Uncertain Significance. Algorithms developed to predict the effect of missense changes on protein structure and function are either unavailable or do not agree on the potential impact of this missense change (SIFT: "Deleterious"; PolyPhen-2: "Possibly Damaging"; Align-GVGD: "Class C0"). This variant has not been reported in the literature in individuals affected with ALPK3-related conditions. This variant is present in population databases (no rsID available, gnomAD 0.0009%).